The following is an entry in ClinVar:

NM_006996.3(SLC19A2):c.1223+1G>A

Gene: SLC19A2 (solute carrier family 19 member 2; minus strand). Cytogenetic location: 1q24.2.
Variant type: single nucleotide variant.
Coding change: c.1223+1G>A on transcript NM_006996.3 (MANE Select); the canonical splice donor site of the intron after coding-DNA position 1223, G replaced by A.
Molecular consequence: splice donor variant.
Genome position (GRCh38, 1-based): chr1:169,468,643, C>T on the plus strand (G>A on the coding strand, the complement: SLC19A2 is on the minus strand). VCF-style: chr1-169468643-C-T. GRCh37 (hg19) VCF-style: chr1-169437881-C-T.
Other names: c.620+1G>A (NM_001319667.1).
Identifiers: ClinVar variation 2202878 (VCV002202878.11), dbSNP rs768890368, ClinGen allele CA1232895.

ClinVar aggregate classification (germline): Pathogenic. Review status: criteria provided, multiple submitters, no conflicts (2 of 4 stars). 5 submissions from 5 submitters: Pathogenic (5). Last evaluated 2026-01-28.

Conditions:
SLC19A2-related disorder. Also called: SLC19A2-related condition.
Megaloblastic anemia, thiamine-responsive, with diabetes mellitus and sensorineural deafness (TRMA). Also called: THIAMINE METABOLISM DYSFUNCTION SYNDROME 1 (MEGALOBLASTIC ANEMIA, DIABETES MELLITUS, AND DEAFNESS TYPE); ROGERS SYNDROME; THIAMINE-RESPONSIVE ANEMIA SYNDROME; THIAMINE-RESPONSIVE MYELODYSPLASIA; Thiamine-Responsive Megaloblastic Anemia Syndrome. Identifiers: Orphanet 49827, MedGen C0342287, MONDO:0009575, OMIM 249270.

Allele frequency attached by ClinVar (database versions not stated): gnomAD 0.00001; TOPMed 0.00001; ExAC 0.00002; gnomAD exomes 0.00002.
gnomAD v4.1: 32 of 1,613,010 alleles (0.002%); highest among the groups gnomAD compares: East Asian, 0.0022%; no homozygotes.

Submissions (6):

GeneDx
Classification: Pathogenic. Last evaluated: 2026-01-28. Review status: criteria provided, single submitter. Criteria: GeneDx Variant Classification Process June 2021. Collection method: clinical testing. Allele origin: germline.
Comment: Canonical splice site variant predicted to result in a null allele in a gene for which loss of function is a known mechanism of disease; This variant is associated with the following publications: (PMID: 25525159, 35686496, 10874303, 19643445)

Fulgent Genetics
Classification: Pathogenic for Megaloblastic anemia, thiamine-responsive, with diabetes mellitus and sensorineural deafness. Last evaluated: 2024-03-18. Review status: criteria provided, single submitter. Criteria: ACMG Guidelines, 2015. Collection method: clinical testing. Allele origin: germline.

Labcorp Genetics (formerly Invitae), Labcorp
Classification: Pathogenic. Last evaluated: 2024-03-15. Review status: criteria provided, single submitter. Criteria: Invitae Variant Classification Sherloc (09022015). Collection method: clinical testing. Allele origin: germline.
Comment: This sequence change affects a donor splice site in intron 4 of the SLC19A2 gene. It is expected to disrupt RNA splicing. Variants that disrupt the donor or acceptor splice site typically lead to a loss of protein function (PMID: 16199547), and loss-of-function variants in SLC19A2 are known to be pathogenic (PMID: 10391221, 10391223, 10874303). This variant is present in population databases (rs768890368, gnomAD 0.04%). Disruption of this splice site has been observed in individual(s) with thiamine-responsive megaloblastic anemia syndrome (PMID: 19643445). ClinVar contains an entry for this variant (Variation ID: 2202878). Algorithms developed to predict the effect of sequence changes on RNA splicing suggest that this variant may disrupt the consensus splice site. For these reasons, this variant has been classified as Pathogenic.

Blueprint Genetics
Classification: Pathogenic for SLC19A2-related disorders. Last evaluated: 2023-03-01. Review status: criteria provided, single submitter. Criteria: ACMG Guidelines, 2015. Collection method: clinical testing. Allele origin: germline. Affected: yes. Observed: 5 variant alleles.

Breakthrough Genomics
Classification: Pathogenic for Megaloblastic anemia, thiamine-responsive, with diabetes mellitus and sensorineural deafness. Last evaluated: 2022-05-16. Review status: criteria provided, single submitter. Criteria: ACMG Guidelines, 2015. Collection method: clinical testing. Allele origin: germline. Affected: yes.
Comment: In silico splice prediction tools (ASSP and NNSPLICE) suggest that this variant may affect splicing due to the loss of constitutive splice site and introduction of a new splice site, which in turn might lead to a frameshift and consequent premature termination of the protein; this will likely result in loss-of-function. The variant has been reported in individuals with TRMA syndrome [PMID: 19643445, 10874303].

Dr. Peter K. Rogan Lab, Western University
No classification provided (evidence only). Condition: Lung cancer. Review status: no classification provided. Collection method: in vitro. Allele origin: not applicable. Functional consequence: retained intron. Not counted in ClinVar's aggregate classification.

Literature cited by the submitters: PubMed 16199547 (cited by Labcorp Genetics (formerly Invitae), Labcorp); PubMed 10391221 (cited by Labcorp Genetics (formerly Invitae), Labcorp); PubMed 10391223 (cited by Labcorp Genetics (formerly Invitae), Labcorp); PubMed 10874303 (cited by Labcorp Genetics (formerly Invitae), Labcorp); PubMed 19643445 (cited by Labcorp Genetics (formerly Invitae), Labcorp).